The following is an entry in ClinVar:

ClinVar aggregate classification (germline): Benign. Review status: criteria provided, multiple submitters, no conflicts (2 of 4 stars). 6 submissions from 6 submitters: Benign (6). Last evaluated 2026-02-04.

Allele frequency attached by ClinVar (database versions not stated): gnomAD exomes 0.07790; ExAC 0.08093; 1000 Genomes Project 0.09085; 1000 Genomes Project 30x 0.09354; gnomAD 0.09384 and 0.09577; TOPMed 0.09748; ESP Exome Variant Server 0.10042.

Submissions (6):

Labcorp Genetics (formerly Invitae), Labcorp
Classification: Benign. Last evaluated: 2026-02-04. Review status: criteria provided, single submitter. Criteria: Invitae Variant Classification Sherloc (09022015). Collection method: clinical testing. Allele origin: germline.

Women's Health and Genetics/Laboratory Corporation of America, LabCorp
Classification: Benign. Last evaluated: 2026-01-21. Review status: criteria provided, single submitter. Criteria: LabCorp Variant Classification Summary - May 2015. Collection method: clinical testing. Allele origin: germline.

Mayo Clinic Laboratories, Mayo Clinic
Classification: Benign. Last evaluated: 2022-09-06. Review status: criteria provided, single submitter. Criteria: ACMG Guidelines, 2015. Collection method: clinical testing. Allele origin: germline. Observed: 63 variant alleles.

GeneDx
Classification: Benign. Last evaluated: 2021-05-04. Review status: criteria provided, single submitter. Criteria: GeneDx Variant Classification Process June 2021. Collection method: clinical testing. Allele origin: germline. Affected: yes.

Laboratory for Molecular Medicine, Mass General Brigham Personalized Medicine
Classification: Benign. Last evaluated: 2016-03-28. Review status: criteria provided, single submitter. Criteria: LMM Criteria. Collection method: clinical testing. Allele origin: germline.
Comment: Variant identified in a genome or exome case(s) and assessed due to predicted null impact of the variant or pathogenic assertions in the literature or databases. Disclaimer: This variant has not undergone full assessment. The following are preliminary notes: MAF

Breakthrough Genomics
Classification: Benign. Review status: criteria provided, single submitter. Criteria: ACMG Guidelines, 2015. Collection method: not provided. Allele origin: germline. Inheritance: Autosomal dominant inheritance. Affected: yes.

NM_001734.5(C1S):c.441C>T (p.Cys147=)

Gene: C1S (complement C1s; plus strand). Cytogenetic location: 12p13.31.
Variant type: single nucleotide variant.
Coding change: c.441C>T on transcript NM_001734.5 (MANE Select); coding-DNA position 441, C replaced by T.
Protein change: p.Cys147=; no amino-acid change (cysteine 147 retained).
Molecular consequence: synonymous variant. On other transcripts: 5 prime UTR variant (1).
Genome position (GRCh38, 1-based): chr12:7,064,316, C>T. VCF-style: chr12-7064316-C-T. GRCh37 (hg19) VCF-style: chr12-7171620-C-T.
Other names: p.Cys147=; c.-61C>T (NM_001346850.2); c.441C>T, p.Cys147= (NM_201442.4).
Identifiers: ClinVar variation 402439 (VCV000402439.18), dbSNP rs7965055, ClinGen allele CA6423460.